The following is an entry in ClinVar:

ClinVar aggregate classification (germline): Likely benign. Review status: criteria provided, single submitter (1 of 4 stars). 2 submissions from 2 submitters: Likely benign (1). 1 of the submissions does not count toward it. Last evaluated 2023-10-20.

Conditions:
VPS13B-related disorder. Also called: VPS13B-related condition.
Cohen syndrome (COH1). Also called: Cutis verticis gyrata, retinitis pigmentosa, and sensorineural deafness; PEPPER SYNDROME. Identifiers: Orphanet 193, MedGen C0265223, MONDO:0008999, OMIM 216550.

Allele frequency attached by ClinVar (database versions not stated): gnomAD exomes below 0.00001; TOPMed 0.00001.
gnomAD v4.1: 4 of 1,603,368 alleles (0.00025%); highest among the groups gnomAD compares: Non-Finnish European, 0.00034%; no homozygotes.

Submissions (2):

Labcorp Genetics (formerly Invitae), Labcorp
Classification: Likely benign for Cohen syndrome. Last evaluated: 2023-10-20. Review status: criteria provided, single submitter. Criteria: Invitae Variant Classification Sherloc (09022015). Collection method: clinical testing. Allele origin: germline.

PreventionGenetics, part of Exact Sciences
Classification: Likely benign for VPS13B-related condition. Last evaluated: 2024-08-08. Review status: no assertion criteria provided. Collection method: clinical testing. Allele origin: germline. Not counted in ClinVar's aggregate classification.
Comment: This variant is classified as likely benign based on ACMG/AMP sequence variant interpretation guidelines (Richards et al. 2015 PMID: 25741868, with internal and published modifications).

NM_152564.5(VPS13B):c.735A>G (p.Leu245=)

Gene: VPS13B (vacuolar protein sorting 13 homolog B; plus strand). Cytogenetic location: 8q22.2.
Variant type: single nucleotide variant.
Coding change: c.735A>G on transcript NM_152564.5 (MANE Select); coding-DNA position 735, A replaced by G.
Protein change: p.Leu245=; no amino-acid change (leucine 245 retained).
Molecular consequence: synonymous variant. On other transcripts: non-coding transcript variant (1).
Genome position (GRCh38, 1-based): chr8:99,111,252, A>G. VCF-style: chr8-99111252-A-G. GRCh37 (hg19) VCF-style: chr8-100123480-A-G.
Other names: c.735A>G, p.Leu245= (NM_015243.3, NM_017890.5, NM_181661.3).
Identifiers: ClinVar variation 2732663 (VCV002732663.4), dbSNP rs1847349558, ClinGen allele CA462421486.